The following is an entry in ClinVar:

ClinVar aggregate classification (germline): Likely pathogenic (1 of 4 stars; one submission).

Conditions:
Alstrom syndrome (ALMS). Identifiers: Orphanet 64, MedGen C0268425, MONDO:0008763, OMIM 203800.

Submission:

Myriad Genetics, Inc.
Classification: Likely pathogenic for Alstrom syndrome. Last evaluated: 2021-12-17. Review status: criteria provided, single submitter. Criteria: Myriad Women's Health Autosomal Recessive and X-Linked Classification Criteria (2021). Collection method: clinical testing. Allele origin: unknown.
Comment: NM_015120.4(ALMS1):c.2692A>T(K898*) is expected to be pathogenic in the context of Alstrom syndrome. This variant is predicted to lead to an abnormal or absent protein product due to the creation of a premature termination codon in ALMS1, a gene where loss-of-function variants are known to be pathogenic. Please note: this variant was assessed in the context of healthy population screening.

NM_001378454.1(ALMS1):c.2689A>T (p.Lys897Ter)

Gene: ALMS1 (ALMS1 centrosome and basal body associated protein; plus strand). Cytogenetic location: 2p13.1.
Variant type: single nucleotide variant.
Coding change: c.2689A>T on transcript NM_001378454.1 (MANE Select); coding-DNA position 2689, A replaced by T.
Protein change: p.Lys897Ter; replaces lysine 897 with a stop codon.
Molecular consequence: nonsense.
Genome position (GRCh38, 1-based): chr2:73,449,216, A>T. VCF-style: chr2-73449216-A-T. GRCh37 (hg19) VCF-style: chr2-73676343-A-T.
Other names: c.2692A>T, p.Lys898Ter (NM_015120.4); short protein forms K897*, K898*.
Identifiers: ClinVar variation 1726403 (VCV001726403.2), dbSNP rs1671874854, ClinGen allele CA347271244.
Genomic context (GRCh38, chr2:73,449,216, plus strand): 5'-AATAGTCATCTAACTGAAGAGGCTCTGAAAGTATCAATTGTTCCTGGACCAGGTGATCAG[A>T]AGACTGGGATACCCTCAGCACCATCTAGTTTCTACTCACACAGAGAGAAGCCCATTATTT-3'